The following is an entry in ClinVar:

ClinVar aggregate classification (germline): Pathogenic. Review status: criteria provided, single submitter (1 of 4 stars). 2 submissions from 2 submitters: Pathogenic (1). 1 of the submissions does not count toward it. Last evaluated 2024-06-08.

Conditions:
Familial thoracic aortic aneurysm and aortic dissection (TAAD). Also called: Thoracic aortic aneurysms and dissections. Identifiers: Orphanet 91387, MedGen C4707243, MONDO:0019625.
Marfan syndrome (MFS). Also called: Marfan syndrome type 1; Marfan syndrome, classic; Marfan's syndrome; FBN1-Related Marfan Syndrome; MARFAN SYNDROME, TYPE I. Identifiers: Orphanet 284963, Orphanet 558, MedGen C0024796, MONDO:0007947, OMIM 154700.

Submissions (2):

Labcorp Genetics (formerly Invitae), Labcorp
Classification: Pathogenic for Marfan syndrome; Familial thoracic aortic aneurysm and aortic dissection. Last evaluated: 2024-06-08. Review status: criteria provided, single submitter. Criteria: Invitae Variant Classification Sherloc (09022015). Collection method: clinical testing. Allele origin: germline.
Comment: This sequence change replaces cysteine, which is neutral and slightly polar, with arginine, which is basic and polar, at codon 134 of the FBN1 protein (p.Cys134Arg). This variant is not present in population databases (gnomAD no frequency). This missense change has been observed in individual(s) with Marfan syndrome (PMID: 23684891). ClinVar contains an entry for this variant (Variation ID: 527141). Advanced modeling of protein sequence and biophysical properties (such as structural, functional, and spatial information, amino acid conservation, physicochemical variation, residue mobility, and thermodynamic stability) performed at Invitae indicates that this missense variant is expected to disrupt FBN1 protein function with a positive predictive value of 95%. This variant affects a cysteine residue in the EGF-like, TGFBP or hybrid motif domains of FBN1. Cysteine residues are believed to be involved in intramolecular disulfide bridges and have been shown to be important for FBN1 protein structure (PMID: 16905551, 19349279). In addition, missense substitutions affecting cysteine residues within these domains are significantly overrepresented among patients with Marfan syndrome (PMID: 16571647, 17701892). For these reasons, this variant has been classified as Pathogenic.

Center for Medical Genetics Ghent, University of Ghent
Classification: Likely pathogenic for Marfan syndrome. Last evaluated: 2017-11-07. Review status: no assertion criteria provided. Collection method: clinical testing. Allele origin: germline. Affected: yes. Not counted in ClinVar's aggregate classification.

Literature cited by the submitters: PubMed 23684891 (cited by Labcorp Genetics (formerly Invitae), Labcorp); PubMed 16905551 (cited by Labcorp Genetics (formerly Invitae), Labcorp); PubMed 19349279 (cited by Labcorp Genetics (formerly Invitae), Labcorp); PubMed 16571647 (cited by Labcorp Genetics (formerly Invitae), Labcorp); PubMed 17701892 (cited by Labcorp Genetics (formerly Invitae), Labcorp).

NM_000138.5(FBN1):c.400T>C (p.Cys134Arg)

Gene: FBN1 (fibrillin 1; minus strand). Cytogenetic location: 15q21.1.
Variant type: single nucleotide variant.
Coding change: c.400T>C on transcript NM_000138.5 (MANE Select); coding-DNA position 400, T replaced by C.
Protein change: p.Cys134Arg; replaces cysteine 134 with arginine.
Molecular consequence: missense variant.
Genome position (GRCh38, 1-based): chr15:48,600,181, A>G on the plus strand (T>C on the coding strand, the complement: FBN1 is on the minus strand). VCF-style: chr15-48600181-A-G. GRCh37 (hg19) VCF-style: chr15-48892378-A-G.
Other names: short protein forms C134R.
Identifiers: ClinVar variation 527141 (VCV000527141.8), dbSNP rs1555405044, ClinGen allele CA392446523.